The following is an entry in ClinVar:

ClinVar aggregate classification (germline): Uncertain significance. Review status: criteria provided, multiple submitters, no conflicts (2 of 4 stars). 2 submissions from 2 submitters: Uncertain significance (2). Last evaluated 2025-04-04.

Conditions:
Inborn genetic diseases. Identifiers: MedGen C0950123, MeSH D030342.

Allele frequency attached by ClinVar (database versions not stated): TOPMed below 0.00001; gnomAD 0.00001.
gnomAD v4.1: 1 of 1,613,894 alleles (0.000062%); highest among the groups gnomAD compares: Non-Finnish European, 0.000085%; no homozygotes.

Submissions (2):

Ambry Genetics
Classification: Uncertain significance for Inborn genetic diseases. Last evaluated: 2025-04-04. Review status: criteria provided, single submitter. Criteria: Ambry Variant Classification Scheme 2023. Collection method: clinical testing. Allele origin: germline.

Labcorp Genetics (formerly Invitae), Labcorp
Classification: Uncertain significance. Last evaluated: 2023-10-10. Review status: criteria provided, single submitter. Criteria: Invitae Variant Classification Sherloc (09022015). Collection method: clinical testing. Allele origin: germline.
Comment: This sequence change replaces serine, which is neutral and polar, with glycine, which is neutral and non-polar, at codon 312 of the NEDD4L protein (p.Ser312Gly). This variant is not present in population databases (gnomAD no frequency). This variant has not been reported in the literature in individuals affected with NEDD4L-related conditions. Advanced modeling of protein sequence and biophysical properties (such as structural, functional, and spatial information, amino acid conservation, physicochemical variation, residue mobility, and thermodynamic stability) performed at Invitae indicates that this missense variant is not expected to disrupt NEDD4L protein function. In summary, the available evidence is currently insufficient to determine the role of this variant in disease. Therefore, it has been classified as a Variant of Uncertain Significance.

NM_001144967.3(NEDD4L):c.934A>G (p.Ser312Gly)

Gene: NEDD4L (NEDD4 like E3 ubiquitin protein ligase; plus strand). Cytogenetic location: 18q21.31.
Variant type: single nucleotide variant.
Coding change: c.934A>G on transcript NM_001144967.3 (MANE Select); coding-DNA position 934, A replaced by G.
Protein change: p.Ser312Gly; replaces serine 312 with glycine.
Molecular consequence: missense variant.
Genome position (GRCh38, 1-based): chr18:58,330,858, A>G. VCF-style: chr18-58330858-A-G. GRCh37 (hg19) VCF-style: chr18-55998090-A-G.
Other names: c.571A>G, p.Ser191Gly (NM_001144970.3, NM_001144971.2, NM_001144964.1 and 2 more transcripts); c.910A>G, p.Ser304Gly (NM_001144968.2, NM_001144969.2); c.934A>G, p.Ser312Gly (NM_001243960.2, NM_015277.6); c.934A>G (NM_015277.5); short protein forms S304G, S191G, S312G.
Identifiers: ClinVar variation 2753590 (VCV002753590.4), dbSNP rs2059732098, ClinGen allele CA402555751.